The following is an entry in ClinVar:

NM_007294.4(BRCA1):c.2558_2559delinsCAA (p.Asp853fs)

Gene: BRCA1 (BRCA1 DNA repair associated; minus strand). Cytogenetic location: 17q21.31.
Variant type: Indel.
Coding change: c.2558_2559delinsCAA on transcript NM_007294.4 (MANE Select); coding-DNA positions 2558 to 2559, AT replaced by CAA.
Protein change: p.Asp853fs; shifts the reading frame from aspartic acid 853.
Molecular consequence: frameshift variant. On other transcripts: intron variant (137).
Genome position (GRCh38, 1-based): chr17:43,092,972-43,092,973, AT replaced by TTG on the plus strand (AT replaced by CAA on the coding strand, the reverse complement: BRCA1 is on the minus strand). VCF-style: chr17-43092972-AT-TTG. GRCh37 (hg19) VCF-style: chr17-41244989-AT-TTG.
Other names: c.2414_2415delinsCAA, p.Asp805fs (NM_001407839.1, NM_001407841.1, NM_001407842.1 and 20 more transcripts); c.2417_2418delinsCAA, p.Asp806fs (NM_001407850.1, NM_001407851.1, NM_001407852.1 and 29 more transcripts); c.2345_2346delinsCAA, p.Asp782fs (NM_001407853.1, NM_001407894.1, NM_001407895.1 and 9 more transcripts); c.2558_2559delinsCAA, p.Asp853fs (NM_001407854.1, NM_001407858.1, NM_001407859.1 and 30 more transcripts); c.2555_2556delinsCAA, p.Asp852fs (NM_001407860.1, NM_001407861.1, NM_001407587.1 and 22 more transcripts); c.2357_2358delinsCAA, p.Asp786fs (NM_001407862.1); c.2435_2436delinsCAA, p.Asp812fs (NM_001407863.1, NM_001407937.1, NM_001407938.1 and 19 more transcripts); c.2354_2355delinsCAA, p.Asp785fs (NM_001407874.1, NM_001407875.1); and 41 more; short protein forms D557fs, D685fs, D725fs, D726fs, D741fs, D742fs, D764fs, D765fs.
Identifiers: ClinVar variation 4867740 (VCV004867740.1).

ClinVar aggregate classification (germline): Pathogenic (1 of 4 stars; one submission).

Conditions:
Hereditary cancer-predisposing syndrome. Also called: Neoplastic Syndromes, Hereditary; Tumor predisposition; Hereditary Cancer Syndrome; Hereditary neoplastic syndrome. Identifiers: Orphanet 140162, MedGen C0027672, MeSH D009386, MONDO:0015356.

Submission:

Ambry Genetics
Classification: Pathogenic for Hereditary cancer-predisposing syndrome. Last evaluated: 2026-05-20. Review status: criteria provided, single submitter. Criteria: Ambry Variant Classification Scheme 2023. Collection method: clinical testing. Allele origin: germline.
Comment: The c.2558_2559delATinsCAA pathogenic mutation, located in coding exon 9 of the BRCA1 gene, results from the deletion of two nucleotides and insertion of 3 nucleotides causing a translational frameshift with a predicted alternate stop codon (p.D853Afs*50). This variant is considered to be rare based on population cohorts in the Genome Aggregation Database (gnomAD). This alteration is expected to result in loss of function by premature protein truncation or nonsense-mediated mRNA decay. As such, this alteration is interpreted as a disease-causing mutation.